The following is an entry in ClinVar:

NM_033109.5(PNPT1):c.1571T>C (p.Ile524Thr)

Gene: PNPT1 (polyribonucleotide nucleotidyltransferase 1; minus strand). Cytogenetic location: 2p16.1.
Variant type: single nucleotide variant.
Coding change: c.1571T>C on transcript NM_033109.5 (MANE Select); coding-DNA position 1571, T replaced by C.
Protein change: p.Ile524Thr; replaces isoleucine 524 with threonine.
Molecular consequence: missense variant.
Genome position (GRCh38, 1-based): chr2:55,647,378, A>G on the plus strand (T>C on the coding strand, the complement: PNPT1 is on the minus strand). VCF-style: chr2-55647378-A-G. GRCh37 (hg19) VCF-style: chr2-55874513-A-G.
Other names: short protein forms I524T.
Identifiers: ClinVar variation 1364170 (VCV001364170.8), dbSNP rs1167475108, ClinGen allele CA346925966.

ClinVar aggregate classification (germline): Uncertain significance (1 of 4 stars; one submission).

Allele frequency attached by ClinVar (database versions not stated): gnomAD exomes below 0.00001.
gnomAD v4.1: 1 of 1,609,980 alleles (0.000062%); highest among the groups gnomAD compares: Non-Finnish European, 0.000085%; no homozygotes.

Submission:

Labcorp Genetics (formerly Invitae), Labcorp
Classification: Uncertain significance. Last evaluated: 2021-01-11. Review status: criteria provided, single submitter. Criteria: Invitae Variant Classification Sherloc (09022015). Collection method: clinical testing. Allele origin: germline.
Comment: In summary, the available evidence is currently insufficient to determine the role of this variant in disease. Therefore, it has been classified as a Variant of Uncertain Significance. Advanced modeling of protein sequence and biophysical properties (such as structural, functional, and spatial information, amino acid conservation, physicochemical variation, residue mobility, and thermodynamic stability) performed at Invitae indicates that this missense variant is expected to disrupt PNPT1 protein function. This variant has not been reported in the literature in individuals with PNPT1-related conditions. This variant is not present in population databases (ExAC no frequency). This sequence change replaces isoleucine with threonine at codon 524 of the PNPT1 protein (p.Ile524Thr). The isoleucine residue is moderately conserved and there is a moderate physicochemical difference between isoleucine and threonine.